The following is an entry in ClinVar:

ClinVar aggregate classification (germline): Uncertain significance (1 of 4 stars; one submission).

Allele frequency attached by ClinVar (database versions not stated): gnomAD exomes below 0.00001; ExAC 0.00001; gnomAD 0.00001; TOPMed 0.00001; ESP Exome Variant Server 0.00008.
gnomAD v4.1: 8 of 1,612,808 alleles (0.0005%); highest among the groups gnomAD compares: African/African-American, 0.0094%; no homozygotes.

Submission:

Labcorp Genetics (formerly Invitae), Labcorp
Classification: Uncertain significance. Last evaluated: 2022-11-10. Review status: criteria provided, single submitter. Criteria: Invitae Variant Classification Sherloc (09022015). Collection method: clinical testing. Allele origin: germline.
Comment: In summary, the available evidence is currently insufficient to determine the role of this variant in disease. Therefore, it has been classified as a Variant of Uncertain Significance. Advanced modeling of protein sequence and biophysical properties (such as structural, functional, and spatial information, amino acid conservation, physicochemical variation, residue mobility, and thermodynamic stability) performed at Invitae indicates that this missense variant is expected to disrupt TCF3 protein function. This variant has not been reported in the literature in individuals affected with TCF3-related conditions. This variant is present in population databases (rs368510078, gnomAD 0.007%). This sequence change replaces histidine, which is basic and polar, with proline, which is neutral and non-polar, at codon 653 of the TCF3 protein (p.His653Pro).

NM_003200.5(TCF3):c.1958A>C (p.His653Pro)

Gene: TCF3 (transcription factor 3; minus strand). Cytogenetic location: 19p13.3.
Variant type: single nucleotide variant.
Coding change: c.1958A>C on transcript NM_003200.5 (MANE Select); coding-DNA position 1958, A replaced by C.
Protein change: p.His653Pro; replaces histidine 653 with proline.
Molecular consequence: missense variant.
Genome position (GRCh38, 1-based): chr19:1,611,714, T>G on the plus strand (A>C on the coding strand, the complement: TCF3 is on the minus strand). VCF-style: chr19-1611714-T-G. GRCh37 (hg19) VCF-style: chr19-1611713-T-G.
Other names: c.1949A>C, p.His650Pro (NM_001136139.4, NM_001351779.2); c.1955A>C, p.His652Pro (NM_001351778.2); short protein forms H650P, H652P, H653P.
Identifiers: ClinVar variation 1929871 (VCV001929871.5), dbSNP rs368510078, ClinGen allele CA9049491.